The following is an entry in ClinVar:

NM_006231.4(POLE):c.1315C>G (p.Leu439Val)

Gene: POLE (DNA polymerase epsilon, catalytic subunit; minus strand). Cytogenetic location: 12q24.33.
Variant type: single nucleotide variant.
Coding change: c.1315C>G on transcript NM_006231.4 (MANE Select); coding-DNA position 1315, C replaced by G.
Protein change: p.Leu439Val; replaces leucine 439 with valine.
Molecular consequence: missense variant.
Genome position (GRCh38, 1-based): chr12:132,673,619, G>C on the plus strand (C>G on the coding strand, the complement: POLE is on the minus strand). VCF-style: chr12-132673619-G-C. GRCh37 (hg19) VCF-style: chr12-133250205-G-C.
Other names: short protein forms L439V.
Identifiers: ClinVar variation 2769713 (VCV002769713.3), dbSNP rs2135999602, ClinGen allele CA387359321.

ClinVar aggregate classification (germline): Uncertain significance (1 of 4 stars; one submission).

gnomAD v4.1: 2 of 1,613,778 alleles (0.00012%); highest among the groups gnomAD compares: Non-Finnish European, 0.00017%; no homozygotes.

Submission:

Labcorp Genetics (formerly Invitae), Labcorp
Classification: Uncertain significance. Last evaluated: 2023-10-18. Review status: criteria provided, single submitter. Criteria: Invitae Variant Classification Sherloc (09022015). Collection method: clinical testing. Allele origin: germline.
Comment: This sequence change replaces leucine, which is neutral and non-polar, with valine, which is neutral and non-polar, at codon 439 of the POLE protein (p.Leu439Val). This variant is not present in population databases (gnomAD no frequency). This variant has not been reported in the literature in individuals affected with POLE-related conditions. Advanced modeling of protein sequence and biophysical properties (such as structural, functional, and spatial information, amino acid conservation, physicochemical variation, residue mobility, and thermodynamic stability) performed at Invitae indicates that this missense variant is not expected to disrupt POLE protein function with a negative predictive value of 80%. In summary, the available evidence is currently insufficient to determine the role of this variant in disease. Therefore, it has been classified as a Variant of Uncertain Significance.